The following is an entry in ClinVar:

ClinVar aggregate classification (germline): Uncertain significance (1 of 4 stars; one submission).

Conditions:
Inborn genetic diseases. Identifiers: MedGen C0950123, MeSH D030342.

Submission:

Ambry Genetics
Classification: Uncertain significance for Inborn genetic diseases. Last evaluated: 2026-07-02. Review status: criteria provided, single submitter. Criteria: Ambry Variant Classification Scheme 2023. Collection method: clinical testing. Allele origin: germline.
Comment: The p.K275E variant (also known as c.823A>G), located in coding exon 1 of the CEBPA gene, results from an A to G substitution at nucleotide position 823. The lysine at codon 275 is replaced by glutamic acid, an amino acid with similar properties. This amino acid position is conserved. In addition, this alteration is predicted to be tolerated by in silico analysis. Based on the available evidence, the clinical significance of this variant remains unclear.

NM_004364.5(CEBPA):c.823A>G (p.Lys275Glu)

Gene: CEBPA (CCAAT enhancer binding protein alpha; minus strand). Cytogenetic location: 19q13.11.
Variant type: single nucleotide variant.
Coding change: c.823A>G on transcript NM_004364.5 (MANE Select); coding-DNA position 823, A replaced by G.
Protein change: p.Lys275Glu; replaces lysine 275 with glutamic acid.
Molecular consequence: missense variant.
Genome position (GRCh38, 1-based): chr19:33,301,592, T>C on the plus strand (A>G on the coding strand, the complement: CEBPA is on the minus strand). VCF-style: chr19-33301592-T-C. GRCh37 (hg19) VCF-style: chr19-33792498-T-C.
Other names: c.466A>G, p.Lys156Glu (NM_001285829.2); c.928A>G, p.Lys310Glu (NM_001287424.2); c.781A>G, p.Lys261Glu (NM_001287435.2); short protein forms K156E, K261E, K275E, K310E.
Identifiers: ClinVar variation 5034271 (VCV005034271.1).
Genomic context (GRCh38, chr19:33,301,592, plus strand): 5'-CGATGTTGTTGCGCTCGCGCCGCACCCGGTACTCGTTGCTGTTCTTGTCCACCGACTTCT[T>C]GGCCTTGCCCGCGCCGCTGCCGCCACTCGCGCGGAGGTCGGGGTGCGCGGCGCCCAGCCC-3'
Protein context (NP_004355.2, residues 265-285): ASGGSGAGKA[Lys275Glu]KSVDKNSNEY